The following is an entry in ClinVar:

NM_004453.4(ETFDH):c.1374C>A (p.Cys458Ter)

Gene: ETFDH (electron transfer flavoprotein dehydrogenase; plus strand). Cytogenetic location: 4q32.1.
Variant type: single nucleotide variant.
Coding change: c.1374C>A on transcript NM_004453.4 (MANE Select); coding-DNA position 1374, C replaced by A.
Protein change: p.Cys458Ter; replaces cysteine 458 with a stop codon.
Molecular consequence: nonsense.
Genome position (GRCh38, 1-based): chr4:158,706,277, C>A. VCF-style: chr4-158706277-C-A. GRCh37 (hg19) VCF-style: chr4-159627429-C-A.
Other names: c.1233C>A, p.Cys411Ter (NM_001281737.2); c.1191C>A, p.Cys397Ter (NM_001281738.1); short protein forms C411*, C397*, C458*.
Identifiers: ClinVar variation 651444 (VCV000651444.7), dbSNP rs1580422708, ClinGen allele CA358564051.

ClinVar aggregate classification (germline): Pathogenic (1 of 4 stars; one submission).

Conditions:
Multiple acyl-CoA dehydrogenase deficiency (MADD). Also called: Glutaric aciduria, type 2; Glutaric Acidemia type 2; ETHYLMALONIC-ADIPICACIDURIA; GA II; Glutaric acidemia type II; GA 2. Identifiers: Orphanet 26791, MedGen C0268596, MONDO:0009282, OMIM 231680.

Allele frequency attached by ClinVar (database versions not stated): gnomAD exomes below 0.00001.
gnomAD v4.1: 1 of 1,610,812 alleles (0.000062%); highest among the groups gnomAD compares: Non-Finnish European, 0.000085%; no homozygotes.

Submission:

Labcorp Genetics (formerly Invitae), Labcorp
Classification: Pathogenic for Multiple acyl-CoA dehydrogenase deficiency. Last evaluated: 2020-11-19. Review status: criteria provided, single submitter. Criteria: Invitae Variant Classification Sherloc (09022015). Collection method: clinical testing. Allele origin: germline.
Comment: For these reasons, this variant has been classified as Pathogenic. This variant has not been reported in the literature in individuals with ETFDH-related conditions. ClinVar contains an entry for this variant (Variation ID: 651444). This variant is not present in population databases (ExAC no frequency). This sequence change creates a premature translational stop signal (p.Cys458*) in the ETFDH gene. It is expected to result in an absent or disrupted protein product. Loss-of-function variants in ETFDH are known to be pathogenic (PMID: 16510302, 23785301).

Literature cited by the submitters: PubMed 16510302; PubMed 23785301.